The following is an entry in ClinVar:

ClinVar aggregate classification (germline): Uncertain significance. Review status: criteria provided, multiple submitters, no conflicts (2 of 4 stars). 2 submissions from 2 submitters: Uncertain significance (2). Last evaluated 2025-10-20.

Conditions:
Short-rib thoracic dysplasia 7 with or without polydactyly (SRTD7). Also called: Short rib polydactyly syndrome 5; SHORT-RIB THORACIC DYSPLASIA 7 WITH POLYDACTYLY. Identifiers: Orphanet 498497, Orphanet 93271, MedGen C3279792, MONDO:0013569, OMIM 614091.
Cranioectodermal dysplasia 2 (CED2). Identifiers: Orphanet 1515, MedGen C3150874, MONDO:0013323, OMIM 613610.
Inborn genetic diseases. Identifiers: MedGen C0950123, MeSH D030342.

Allele frequency attached by ClinVar (database versions not stated): ExAC 0.00003; gnomAD exomes 0.00003 and 0.00018; gnomAD 0.00005 and 0.00006; TOPMed 0.00005; ESP Exome Variant Server 0.00015.
gnomAD v4.1: 265 of 1,614,128 alleles (0.016%); highest among the groups gnomAD compares: Non-Finnish European, 0.022%; no homozygotes.

Submissions (2):

Labcorp Genetics (formerly Invitae), Labcorp
Classification: Uncertain significance for Cranioectodermal dysplasia 2; Short-rib thoracic dysplasia 7 with or without polydactyly. Last evaluated: 2025-10-20. Review status: criteria provided, single submitter. Criteria: Invitae Variant Classification Sherloc (09022015). Collection method: clinical testing. Allele origin: germline.
Comment: This sequence change replaces phenylalanine, which is neutral and non-polar, with valine, which is neutral and non-polar, at codon 273 of the WDR35 protein (p.Phe273Val). This variant is present in population databases (rs370377789, gnomAD 0.008%). This variant has not been reported in the literature in individuals affected with WDR35-related conditions. ClinVar contains an entry for this variant (Variation ID: 1063714). Invitae Evidence Modeling of protein sequence and biophysical properties (such as structural, functional, and spatial information, amino acid conservation, physicochemical variation, residue mobility, and thermodynamic stability) indicates that this missense variant is not expected to disrupt WDR35 protein function with a negative predictive value of 95%. In summary, the available evidence is currently insufficient to determine the role of this variant in disease. Therefore, it has been classified as a Variant of Uncertain Significance.

Ambry Genetics
Classification: Uncertain significance for Inborn genetic diseases. Last evaluated: 2025-07-02. Review status: criteria provided, single submitter. Criteria: Ambry Variant Classification Scheme 2023. Collection method: clinical testing. Allele origin: germline.

NM_020779.4(WDR35):c.817T>G (p.Phe273Val)

Gene: WDR35 (WD repeat domain 35; minus strand). Cytogenetic location: 2p24.1.
Variant type: single nucleotide variant.
Coding change: c.817T>G on transcript NM_020779.4 (MANE Select); coding-DNA position 817, T replaced by G.
Protein change: p.Phe273Val; replaces phenylalanine 273 with valine.
Molecular consequence: missense variant.
Genome position (GRCh38, 1-based): chr2:19,973,628, A>C on the plus strand (T>G on the coding strand, the complement: WDR35 is on the minus strand). VCF-style: chr2-19973628-A-C. GRCh37 (hg19) VCF-style: chr2-20173389-A-C.
Other names: c.817T>G, p.Phe273Val (NM_001006657.2); c.817T>G (NM_001006657.1); short protein forms F273V.
Identifiers: ClinVar variation 1063714 (VCV001063714.9), dbSNP rs370377789, ClinGen allele CA1543428.